The following is an entry in ClinVar:

NM_017534.6(MYH2):c.5472+1G>A

Genes: MYH2 (myosin heavy chain 2; minus strand), MYHAS (myosin heavy chain gene cluster antisense RNA; plus strand). Cytogenetic location: 17p13.1.
Variant type: single nucleotide variant.
Coding change: c.5472+1G>A on transcript NM_017534.6 (MANE Select); the canonical splice donor site of the intron after coding-DNA position 5472, G replaced by A.
Molecular consequence: splice donor variant.
Genome position (GRCh38, 1-based): chr17:10,523,495, C>T on the plus strand (G>A on the coding strand, the complement: MYH2 is on the minus strand). VCF-style: chr17-10523495-C-T. GRCh37 (hg19) VCF-style: chr17-10426812-C-T.
Other names: c.5472+1G>A (NM_001100112.2).
Identifiers: ClinVar variation 425123 (VCV000425123.52), dbSNP rs758888662, ClinGen allele CA8390397.

ClinVar aggregate classification (germline): Conflicting classifications of pathogenicity. Review status: criteria provided, conflicting classifications (1 of 4 stars). 5 submissions from 5 submitters: Likely pathogenic (2); Uncertain significance (3). Last evaluated 2025-02-12.

Conditions:
Myopathy, proximal, and ophthalmoplegia (CMYO6). Also called: MYOPATHY WITH CONGENITAL JOINT CONTRACTURES, OPHTHALMOPLEGIA, AND RIMMED VACUOLES; CONGENITAL MYOPATHY 6 WITH OPHTHALMOPLEGIA; INCLUSION BODY MYOPATHY 3, AUTOSOMAL DOMINANT. Identifiers: Orphanet 363677, Orphanet 79091, MedGen C1854106, MONDO:0011577, OMIM 605637.

Allele frequency attached by ClinVar (database versions not stated): ExAC 0.00001; gnomAD exomes 0.00001; TOPMed 0.00001.

Submissions (5):

Labcorp Genetics (formerly Invitae), Labcorp
Classification: Likely pathogenic for Myopathy, proximal, and ophthalmoplegia. Last evaluated: 2025-02-12. Review status: criteria provided, single submitter. Criteria: Invitae Variant Classification Sherloc (09022015). Collection method: clinical testing. Allele origin: germline.
Comment: This sequence change affects a donor splice site in intron 37 of the MYH2 gene. It is expected to disrupt RNA splicing. Variants that disrupt the donor or acceptor splice site typically lead to a loss of protein function (PMID: 16199547), and loss-of-function variants in MYH2 are known to be pathogenic (PMID: 20418530, 23388406, 24193343). This variant is present in population databases (rs758888662, gnomAD 0.003%). This variant has not been reported in the literature in individuals affected with MYH2-related conditions. ClinVar contains an entry for this variant (Variation ID: 425123). Algorithms developed to predict the effect of sequence changes on RNA splicing suggest that this variant may disrupt the consensus splice site. In summary, the currently available evidence indicates that the variant is pathogenic, but additional data are needed to prove that conclusively. Therefore, this variant has been classified as Likely Pathogenic.

Blueprint Genetics
Classification: Uncertain significance. Last evaluated: 2023-05-04. Review status: criteria provided, single submitter. Criteria: ACMG Guidelines, 2015. Collection method: clinical testing. Allele origin: germline.

Institute of Human Genetics, Clinical Exome/Genome Diagnostics Group, University Hospital Bonn
Classification: Uncertain significance for Myopathy, proximal, and ophthalmoplegia. Last evaluated: 2022-03-10. Review status: criteria provided, single submitter. Criteria: ACMG Guidelines, 2015. Collection method: clinical testing. Allele origin: germline. Affected: yes.

CeGaT Center for Human Genetics Tuebingen
Classification: Likely pathogenic. Last evaluated: 2020-03-01. Review status: criteria provided, single submitter. Criteria: CeGaT Center For Human Genetics Tuebingen Variant Classification Criteria Version 2. Collection method: clinical testing. Allele origin: germline. Affected: yes. Observed: 4 variant alleles.

GeneDx
Classification: Uncertain significance. Last evaluated: 2019-06-06. Review status: criteria provided, single submitter. Criteria: GeneDx Variant Classification Process June 2021. Collection method: clinical testing. Allele origin: germline. Affected: yes.
Comment: Not observed at a significant frequency in large population cohorts (Lek et al., 2016); Canonical splice site variant predicted to result in an in-frame deletion of exon 37; Has not been previously published as pathogenic or benign to our knowledge

Literature cited by the submitters: PubMed 16199547 (cited by Labcorp Genetics (formerly Invitae), Labcorp); PubMed 20418530 (cited by Labcorp Genetics (formerly Invitae), Labcorp); PubMed 23388406 (cited by Labcorp Genetics (formerly Invitae), Labcorp); PubMed 24193343 (cited by Labcorp Genetics (formerly Invitae), Labcorp).